The following is an entry in ClinVar:

ClinVar aggregate classification (germline): Benign. Review status: criteria provided, multiple submitters, no conflicts (2 of 4 stars). 19 submissions from 14 submitters: Benign (14). 5 of the submissions do not count toward it. Last evaluated 2026-02-04.

Conditions:
Mucopolysaccharidosis, MPS-IV-B (MPS4B). Also called: Mucopolysaccharidosis type 4B; Mucopolysaccharidosis type IV B; Mucopolysaccharidosis type IVB (Morquio); Mucopolysaccharidosis Type IVB (Morquio B Disease); MPS IVB; MORQUIO SYNDROME B. Identifiers: Orphanet 309310, Orphanet 582, MedGen C0086652, MONDO:0009660, OMIM 253010.
Infantile GM1 gangliosidosis. Also called: Gangliosidosis, Generalized GM1, Type 1; GM1 gangliosidosis type 1; GM1-gangliosidosis, type I; Gangliosidosis, generalized GM1, infantile form; GLB1 deficiency. Identifiers: Orphanet 354, Orphanet 79255, MedGen C0268271, MONDO:0009260, OMIM 230500.
GM1 gangliosidosis. Identifiers: Orphanet 354, MedGen C0085131, MONDO:0018149.
GM1 gangliosidosis type 2. Also called: GANGLIOSIDOSIS, GENERALIZED GM1, JUVENILE TYPE; GANGLIOSIDOSIS, GENERALIZED GM1, TYPE II; Gangliosidosis, Generalized GM1, Type 2; GM1-GANGLIOSIDOSIS, TYPE II; Juvenile GM>1< gangliosidosis. Identifiers: Orphanet 354, Orphanet 79256, MedGen C0268272, MONDO:0009261, OMIM 230600.
GM1 gangliosidosis type 3. Also called: GANGLIOSIDOSIS, GENERALIZED GM1, ADULT TYPE; GANGLIOSIDOSIS, GENERALIZED GM1, CHRONIC TYPE; Gangliosidosis, Generalized GM1, Type 3; GM1-GANGLIOSIDOSIS, TYPE III; Beta-galactosidase deficiency; Adult GM1 gangliosidosis. Identifiers: Orphanet 79257, MedGen C0268273, MONDO:0009262, OMIM 230650.

Allele frequency attached by ClinVar (database versions not stated): ESP Exome Variant Server 0.88256; gnomAD 0.88431 and 0.88846; gnomAD exomes 0.88918 and 0.90881; TOPMed 0.89378; ExAC 0.90516; 1000 Genomes Project 30x 0.92755; 1000 Genomes Project 0.92772.
gnomAD v4.1: 1,433,864 of 1,612,206 alleles (89%); highest among the groups gnomAD compares: East Asian, 100%; 638,460 homozygotes.

Submissions (19):

Labcorp Genetics (formerly Invitae), Labcorp
Classification: Benign for Mucopolysaccharidosis, MPS-IV-B; GM1 gangliosidosis. Last evaluated: 2026-02-04. Review status: criteria provided, single submitter. Criteria: Invitae Variant Classification Sherloc (09022015). Collection method: clinical testing. Allele origin: germline.

Blueprint Genetics
Classification: Benign. Last evaluated: 2024-11-26. Review status: criteria provided, single submitter. Criteria: ACMG Guidelines, 2015. Collection method: clinical testing. Allele origin: germline.

Genome-Nilou Lab
Classification: Benign for Infantile GM1 gangliosidosis. Last evaluated: 2021-08-10. Review status: criteria provided, single submitter. Criteria: ACMG Guidelines, 2015. Collection method: clinical testing. Allele origin: germline. Affected: no.

Genome-Nilou Lab
Classification: Benign for GM1 gangliosidosis type 2. Last evaluated: 2021-08-10. Review status: criteria provided, single submitter. Criteria: ACMG Guidelines, 2015. Collection method: clinical testing. Allele origin: germline. Affected: no.

Genome-Nilou Lab
Classification: Benign for GM1 gangliosidosis type 3. Last evaluated: 2021-08-10. Review status: criteria provided, single submitter. Criteria: ACMG Guidelines, 2015. Collection method: clinical testing. Allele origin: germline. Affected: no.

Genome-Nilou Lab
Classification: Benign for Mucopolysaccharidosis, MPS-IV-B. Last evaluated: 2021-08-10. Review status: criteria provided, single submitter. Criteria: ACMG Guidelines, 2015. Collection method: clinical testing. Allele origin: germline. Affected: no.

Pars Genome Lab
Classification: Benign for Infantile GM1 gangliosidosis. Last evaluated: 2021-06-15. Review status: criteria provided, single submitter. Criteria: ACMG Guidelines, 2015. Collection method: clinical testing. Allele origin: germline. Affected: no.

Pars Genome Lab
Classification: Benign for Mucopolysaccharidosis, MPS-IV-B. Last evaluated: 2021-06-15. Review status: criteria provided, single submitter. Criteria: ACMG Guidelines, 2015. Collection method: clinical testing. Allele origin: germline. Affected: no.

Illumina Laboratory Services, Illumina
Classification: Benign for Mucopolysaccharidosis, MPS-IV-B. Last evaluated: 2018-01-12. Review status: criteria provided, single submitter. Criteria: ICSL Variant Classification Criteria 13 December 2019. Collection method: clinical testing. Allele origin: germline.
Comment: This variant was observed in the ICSL laboratory as part of a predisposition screen in an ostensibly healthy population. It had not been previously curated by ICSL or reported in the Human Gene Mutation Database (HGMD: prior to June 1st, 2018), and was therefore a candidate for classification through an automated scoring system. Utilizing variant allele frequency, disease prevalence and penetrance estimates, and inheritance mode, an automated score was calculated to assess if this variant is too frequent to cause the disease. Based on the score and internal cut-off values, a variant classified as benign is not then subjected to further curation. The score for this variant resulted in a classification of benign for this disease.

Illumina Laboratory Services, Illumina
Classification: Benign for GM1 gangliosidosis. Last evaluated: 2018-01-12. Review status: criteria provided, single submitter. Criteria: ICSL Variant Classification Criteria 13 December 2019. Collection method: clinical testing. Allele origin: germline.
Comment: the same text as in the submission from Illumina Laboratory Services, Illumina above.

Eurofins Ntd Llc (ga)
Classification: Benign. Last evaluated: 2017-08-31. Review status: criteria provided, single submitter. Criteria: EGL Classification Definitions 2015. Collection method: clinical testing. Allele origin: germline. Observed: 141 variant alleles, 8 heterozygotes, 133 homozygotes.

GeneDx
Classification: Benign. Last evaluated: 2015-03-03. Review status: criteria provided, single submitter. Criteria: GeneDx Variant Classification Process June 2021. Collection method: clinical testing. Allele origin: germline. Affected: yes.

Breakthrough Genomics
Classification: Benign. Review status: criteria provided, single submitter. Criteria: ACMG Guidelines, 2015. Collection method: not provided. Allele origin: germline. Inheritance: Autosomal recessive inheritance. Affected: yes.

PreventionGenetics, part of Exact Sciences
Classification: Benign. Review status: criteria provided, single submitter. Criteria: ACMG Guidelines, 2015. Collection method: clinical testing. Allele origin: germline.

Mayo Clinic Laboratories, Mayo Clinic
Classification: Benign. Last evaluated: 2015-10-20. Review status: no assertion criteria provided. Collection method: clinical testing. Allele origin: unknown. Not counted in ClinVar's aggregate classification.

Clinical Genetics DNA and cytogenetics Diagnostics Lab, Erasmus MC, Erasmus Medical Center
Classification: Benign. Review status: no assertion criteria provided. Collection method: clinical testing. Allele origin: germline. Affected: yes. Study: VKGL Data-share Consensus. Not counted in ClinVar's aggregate classification.

Diagnostic Laboratory, Department of Genetics, University Medical Center Groningen
Classification: Benign. Review status: no assertion criteria provided. Collection method: clinical testing. Allele origin: germline. Affected: yes. Study: VKGL Data-share Consensus. Not counted in ClinVar's aggregate classification.

Genetic Services Laboratory, University of Chicago
Classification: Likely benign for AllHighlyPenetrant. Review status: no assertion criteria provided. Collection method: clinical testing. Allele origin: germline. Inheritance: Autosomal recessive inheritance. Not counted in ClinVar's aggregate classification.
Comment: Likely benign based on allele frequency in 1000 Genomes Project or ESP global frequency and its presence in a patient with a rare or unrelated disease phenotype. NOT Sanger confirmed.

Joint Genome Diagnostic Labs from Nijmegen and Maastricht, Radboudumc and MUMC+
Classification: Benign. Review status: no assertion criteria provided. Collection method: clinical testing. Allele origin: germline. Affected: yes. Study: VKGL Data-share Consensus. Not counted in ClinVar's aggregate classification.

NM_000404.4(GLB1):c.34T>C (p.Leu12=)

Genes: TMPPE (transmembrane protein with metallophosphoesterase domain; minus strand), GLB1 (galactosidase beta 1; minus strand), LOC129936434 (ATAC-STARR-seq lymphoblastoid silent region 14182; plus strand). Cytogenetic location: 3p22.3.
Variant type: single nucleotide variant.
Coding change: c.34T>C on transcript NM_000404.4 (MANE Select); coding-DNA position 34, T replaced by C.
Protein change: p.Leu12=; no amino-acid change (leucine 12 retained).
Molecular consequence: synonymous variant. On other transcripts: 5 prime UTR variant (2).
Genome position (GRCh38, 1-based): chr3:33,097,052, A>G on the plus strand (T>C on the coding strand, the complement: GLB1 is on the minus strand). VCF-style: chr3-33097052-A-G. GRCh37 (hg19) VCF-style: chr3-33138544-A-G.
Other names: c.34T>C, p.Leu12= (NM_001135602.3, NM_001317040.2, NM_001393580.1); c.-442T>C (NM_001039770.3); c.-338T>C (NM_001136238.2).
Identifiers: ClinVar variation 92905 (VCV000092905.35), dbSNP rs7614776, ClinGen allele CA146079.